The following is an entry in ClinVar:

NM_001270974.2(HYDIN):c.4333-4G>A

Gene: HYDIN (HYDIN axonemal central pair apparatus protein; minus strand). Cytogenetic location: 16q22.2.
Variant type: single nucleotide variant.
Coding change: c.4333-4G>A on transcript NM_001270974.2 (MANE Select); 4 bases into the intron before coding-DNA position 4333, G replaced by A.
Molecular consequence: intron variant.
Genome position (GRCh38, 1-based): chr16:70,981,572, C>T on the plus strand (G>A on the coding strand, the complement: HYDIN is on the minus strand). VCF-style: chr16-70981572-C-T. GRCh37 (hg19) VCF-style: chr16-71015475-C-T.
Identifiers: ClinVar variation 3024727 (VCV003024727.23), dbSNP rs146837974, ClinGen allele CA8150741.
Genomic context (GRCh38, chr16:70,981,572, plus strand): 5'-TACTCCAGGTAGGTAGTAAACTTTTAATACCTGCTCTTGATGTGAACTGATAAAGCCCTA[C>T]GCGGTAGAAAGACCAGAAAAGGGAAAACGAATGTGCTACAGTACAGGTTCAACTCATTAA-3'

ClinVar aggregate classification (germline): Likely benign. Review status: criteria provided, multiple submitters, no conflicts (2 of 4 stars). 2 submissions from 2 submitters: Likely benign (2). Last evaluated 2026-09-01.

Allele frequency attached by ClinVar (database versions not stated): TOPMed 0.00361; ESP Exome Variant Server 0.00380; 1000 Genomes Project 0.00559; 1000 Genomes Project 30x 0.00734.
gnomAD v4.1: 949 of 1,609,260 alleles (0.059%); highest among the groups gnomAD compares: African/African-American, 1.1%; 3 homozygotes.

Submissions (2):

CeGaT Center for Human Genetics Tuebingen
Classification: Likely benign. Last evaluated: 2026-09-01. Review status: criteria provided, single submitter. Criteria: CeGaT Center For Human Genetics Tuebingen Variant Classification Criteria Version 2. Collection method: clinical testing. Allele origin: germline. Affected: yes. Observed: 4 variant alleles.
Comment: HYDIN: BP4, BS1

Blueprint Genetics
Classification: Likely benign. Last evaluated: 2024-09-18. Review status: criteria provided, single submitter. Criteria: ACMG Guidelines, 2015. Collection method: clinical testing. Allele origin: germline.